The following is an entry in ClinVar:

ClinVar aggregate classification (germline): Likely benign (1 of 4 stars; one submission).

Conditions:
PLS1-related disorder. Also called: PLS1-related condition.

gnomAD v4.1: 553 of 1,613,484 alleles (0.034%); highest among the groups gnomAD compares: Non-Finnish European, 0.046%; no homozygotes.

Submission:

PreventionGenetics, part of Exact Sciences
Classification: Likely benign for PLS1-related condition. Last evaluated: 2026-09-15. Review status: criteria provided, single submitter. Criteria: ACMG Guidelines, 2015. Collection method: clinical testing. Allele origin: germline.
Comment: This variant is classified as likely benign based on ACMG/AMP sequence variant interpretation guidelines (Richards et al. 2015 PMID: 25741868, with internal and published modifications).

NM_001145319.2(PLS1):c.192C>T (p.Asp64=)

Gene: PLS1 (plastin 1; plus strand). Cytogenetic location: 3q23.
Variant type: single nucleotide variant.
Coding change: c.192C>T on transcript NM_001145319.2 (MANE Select); coding-DNA position 192, C replaced by T.
Protein change: p.Asp64=; no amino-acid change (aspartic acid 64 retained).
Molecular consequence: synonymous variant.
Genome position (GRCh38, 1-based): chr3:142,669,511, C>T. VCF-style: chr3-142669511-C-T. GRCh37 (hg19) VCF-style: chr3-142388353-C-T.
Other names: c.192C>T, p.Asp64= (NM_001172312.2, NM_002670.3).
Identifiers: ClinVar variation 4978110 (VCV004978110.1).